The following is an entry in ClinVar:

ClinVar aggregate classification (germline): Uncertain significance (1 of 4 stars; one submission).

Conditions:
Hereditary cancer-predisposing syndrome. Also called: Tumor predisposition; Hereditary neoplastic syndrome; Hereditary Cancer Syndrome; Neoplastic Syndromes, Hereditary. Identifiers: Orphanet 140162, MedGen C0027672, MeSH D009386, MONDO:0015356.

Submission:

Ambry Genetics
Classification: Uncertain significance for Hereditary cancer-predisposing syndrome. Last evaluated: 2023-12-26. Review status: criteria provided, single submitter. Criteria: Ambry Variant Classification Scheme 2023. Collection method: clinical testing. Allele origin: germline.
Comment: The p.E126D variant (also known as c.378G>T), located in coding exon 1 of the CDKN1B gene, results from a G to T substitution at nucleotide position 378. The glutamic acid at codon 126 is replaced by aspartic acid, an amino acid with highly similar properties. This amino acid position is highly conserved in available vertebrate species. In addition, this alteration is predicted to be tolerated by in silico analysis. Since supporting evidence is limited at this time, the clinical significance of this alteration remains unclear.

NM_004064.5(CDKN1B):c.378G>T (p.Glu126Asp)

Gene: CDKN1B (cyclin dependent kinase inhibitor 1B; plus strand). Cytogenetic location: 12p13.1.
Variant type: single nucleotide variant.
Coding change: c.378G>T on transcript NM_004064.5 (MANE Select); coding-DNA position 378, G replaced by T.
Protein change: p.Glu126Asp; replaces glutamic acid 126 with aspartic acid.
Molecular consequence: missense variant.
Genome position (GRCh38, 1-based): chr12:12,718,217, G>T. VCF-style: chr12-12718217-G-T. GRCh37 (hg19) VCF-style: chr12-12871151-G-T.
Other names: short protein forms E126D.
Identifiers: ClinVar variation 3223677 (VCV003223677.1), dbSNP rs2136356339, ClinGen allele CA383970513.
Genomic context (GRCh38, chr12:12,718,217, plus strand): 5'-CCAGGATGTCAGCGGGAGCCGCCCGGCGGCGCCTTTAATTGGGGCTCCGGCTAACTCTGA[G>T]GACACGCATTTGGTGGACCCAAAGACTGATCCGTCGGACAGCCAGACGGGGTTAGCGGAG-3'
Protein context (NP_004055.1, residues 116-136): APLIGAPANS[Glu126Asp]DTHLVDPKTD